The following is an entry in ClinVar:

NM_000041.4(APOE):c.572G>A (p.Gly191Asp)

Gene: APOE (apolipoprotein E; plus strand). Cytogenetic location: 19q13.32.
Variant type: single nucleotide variant.
Coding change: c.572G>A on transcript NM_000041.4 (MANE Select); coding-DNA position 572, G replaced by A.
Protein change: p.Gly191Asp; replaces glycine 191 with aspartic acid.
Molecular consequence: missense variant.
Genome position (GRCh38, 1-based): chr19:44,908,868, G>A. VCF-style: chr19-44908868-G-A. GRCh37 (hg19) VCF-style: chr19-45412125-G-A.
Other names: c.650G>A, p.Gly217Asp (NM_001302688.2); c.572G>A, p.Gly191Asp (NM_001302689.2, NM_001302690.2, NM_001302691.2); short protein forms G191D, G217D.
Identifiers: ClinVar variation 4077225 (VCV004077225.1).
Genomic context (GRCh38, chr19:44,908,868, plus strand): 5'-ATGACCTGCAGAAGCGCCTGGCAGTGTACCAGGCCGGGGCCCGCGAGGGCGCCGAGCGCG[G>A]CCTCAGCGCCATCCGCGAGCGCCTGGGGCCCCTGGTGGAACAGGGCCGCGTGCGGGCCGC-3'
Protein context (NP_000032.1, residues 181-201): QAGAREGAER[Gly191Asp]LSAIRERLGP

ClinVar aggregate classification (germline): Uncertain significance (1 of 4 stars; one submission).

Submission:

GeneDx
Classification: Uncertain significance. Last evaluated: 2025-02-25. Review status: criteria provided, single submitter. Criteria: GeneDx Variant Classification Process June 2021. Collection method: clinical testing. Allele origin: germline. Affected: yes.
Comment: Not observed at significant frequency in large population cohorts (gnomAD); In silico analysis indicates that this missense variant does not alter protein structure/function; Has not been previously published as pathogenic or benign to our knowledge